The following is an entry in ClinVar:

NM_178012.5(TUBB2B):c.1120A>T (p.Ile374Phe)

Gene: TUBB2B (tubulin beta 2B class IIb; minus strand). Cytogenetic location: 6p25.2.
Variant type: single nucleotide variant.
Coding change: c.1120A>T on transcript NM_178012.5 (MANE Select); coding-DNA position 1120, A replaced by T.
Protein change: p.Ile374Phe; replaces isoleucine 374 with phenylalanine.
Molecular consequence: missense variant.
Genome position (GRCh38, 1-based): chr6:3,224,969, T>A on the plus strand (A>T on the coding strand, the complement: TUBB2B is on the minus strand). VCF-style: chr6-3224969-T-A. GRCh37 (hg19) VCF-style: chr6-3225203-T-A.
Other names: short protein forms I374F.
Identifiers: ClinVar variation 2700451 (VCV002700451.3), dbSNP rs2533617005, ClinGen allele CA362585335.

ClinVar aggregate classification (germline): Uncertain significance (1 of 4 stars; one submission).

Submission:

Labcorp Genetics (formerly Invitae), Labcorp
Classification: Uncertain significance. Last evaluated: 2023-12-18. Review status: criteria provided, single submitter. Criteria: Invitae Variant Classification Sherloc (09022015). Collection method: clinical testing. Allele origin: germline.
Comment: This sequence change replaces isoleucine, which is neutral and non-polar, with phenylalanine, which is neutral and non-polar, at codon 374 of the TUBB2B protein (p.Ile374Phe). This variant is not present in population databases (gnomAD no frequency). This variant has not been reported in the literature in individuals affected with TUBB2B-related conditions. Advanced modeling of protein sequence and biophysical properties (such as structural, functional, and spatial information, amino acid conservation, physicochemical variation, residue mobility, and thermodynamic stability) performed at Invitae indicates that this missense variant is expected to disrupt TUBB2B protein function with a positive predictive value of 80%. In summary, the available evidence is currently insufficient to determine the role of this variant in disease. Therefore, it has been classified as a Variant of Uncertain Significance.